The following is an entry in ClinVar:

ClinVar aggregate classification (germline): Uncertain significance (1 of 4 stars; one submission).

Allele frequency attached by ClinVar (database versions not stated): ExAC 0.00001; gnomAD exomes below 0.00001; gnomAD 0.00001; TOPMed 0.00001.
gnomAD v4.1: 25 of 1,614,028 alleles (0.0015%); highest among the groups gnomAD compares: Non-Finnish European, 0.0019%; no homozygotes.

Submission:

Labcorp Genetics (formerly Invitae), Labcorp
Classification: Uncertain significance. Last evaluated: 2018-08-03. Review status: criteria provided, single submitter. Criteria: Invitae Variant Classification Sherloc (09022015). Collection method: clinical testing. Allele origin: germline.
Comment: In summary, the available evidence is currently insufficient to determine the role of this variant in disease. Therefore, it has been classified as a Variant of Uncertain Significance. Algorithms developed to predict the effect of missense changes on protein structure and function (SIFT, PolyPhen-2, Align-GVGD) all suggest that this variant is likely to be tolerated, but these predictions have not been confirmed by published functional studies and their clinical significance is uncertain. This variant has not been reported in the literature in individuals with NSD1-related disease. This variant is present in population databases (rs781142476, ExAC 0.001%). This sequence change replaces serine with asparagine at codon 718 of the NSD1 protein (p.Ser718Asn). The serine residue is weakly conserved and there is a small physicochemical difference between serine and asparagine.

NM_022455.5(NSD1):c.2153G>A (p.Ser718Asn)

Gene: NSD1 (nuclear receptor binding SET domain protein 1; plus strand). Cytogenetic location: 5q35.3.
Variant type: single nucleotide variant.
Coding change: c.2153G>A on transcript NM_022455.5 (MANE Select); coding-DNA position 2153, G replaced by A.
Protein change: p.Ser718Asn; replaces serine 718 with asparagine.
Molecular consequence: missense variant.
Genome position (GRCh38, 1-based): chr5:177,210,552, G>A. VCF-style: chr5-177210552-G-A. GRCh37 (hg19) VCF-style: chr5-176637553-G-A.
Other names: c.1280G>A, p.Ser427Asn (NM_001365684.2, NM_001409306.1, NM_001409307.1 and 3 more transcripts); c.2153G>A, p.Ser718Asn (NM_001409301.1, NM_001409302.1, NM_001409303.1); c.1733G>A, p.Ser578Asn (NM_001409304.1); c.1400G>A, p.Ser467Asn (NM_001409305.1); short protein forms S718N, S449N, S467N, S427N, S578N.
Identifiers: ClinVar variation 574553 (VCV000574553.10), dbSNP rs781142476, ClinGen allele CA3577204.